The following is an entry in ClinVar:

NM_000038.6(APC):c.5401G>T (p.Ala1801Ser)

Gene: APC (APC regulator of Wnt signaling pathway; plus strand). Cytogenetic location: 5q22.2.
Variant type: single nucleotide variant.
Coding change: c.5401G>T on transcript NM_000038.6 (MANE Select); coding-DNA position 5401, G replaced by T.
Protein change: p.Ala1801Ser; replaces alanine 1801 with serine.
Molecular consequence: missense variant.
Genome position (GRCh38, 1-based): chr5:112,840,995, G>T. VCF-style: chr5-112840995-G-T. GRCh37 (hg19) VCF-style: chr5-112176692-G-T.
Other names: c.5401G>T, p.Ala1801Ser (NM_001127510.3, NM_001354895.2); c.5347G>T, p.Ala1783Ser (NM_001127511.3); c.5455G>T, p.Ala1819Ser (NM_001354896.2); c.5431G>T, p.Ala1811Ser (NM_001354897.2); c.5326G>T, p.Ala1776Ser (NM_001354898.2); c.5317G>T, p.Ala1773Ser (NM_001354899.2); c.5278G>T, p.Ala1760Ser (NM_001354900.2); c.5224G>T, p.Ala1742Ser (NM_001354901.2); and 5 more; short protein forms A1783S, A1801S, A1776S, A1700S, A1760S, A1819S, A1518S, A1675S.
Identifiers: ClinVar variation 482523 (VCV000482523.5), dbSNP rs1262019297, ClinGen allele CA16033139.

ClinVar aggregate classification (germline): Uncertain significance (1 of 4 stars; one submission).

Conditions:
Hereditary cancer-predisposing syndrome. Also called: Neoplastic Syndromes, Hereditary; Tumor predisposition; Hereditary Cancer Syndrome; Hereditary neoplastic syndrome. Identifiers: Orphanet 140162, MedGen C0027672, MeSH D009386, MONDO:0015356.

Submission:

Ambry Genetics
Classification: Uncertain significance for Hereditary cancer-predisposing syndrome. Last evaluated: 2017-09-19. Review status: criteria provided, single submitter. Criteria: Ambry Variant Classification Scheme 2023. Collection method: clinical testing. Allele origin: germline.
Comment: The p.A1801S variant (also known as c.5401G>T), located in coding exon 15 of the APC gene, results from a G to T substitution at nucleotide position 5401. The alanine at codon 1801 is replaced by serine, an amino acid with similar properties. This amino acid position is not well conserved in available vertebrate species. In addition, in silico predictors for this gene do not accurately predict pathogenicity. Since supporting evidence is limited at this time, the clinical significance of this alteration remains unclear.